The following is an entry in ClinVar:

ClinVar aggregate classification (germline): Conflicting classifications of pathogenicity. Review status: criteria provided, conflicting classifications (1 of 4 stars). 4 submissions from 4 submitters: Uncertain significance (3); Likely benign (1). Last evaluated 2026-09-25.

Conditions:
Leukoencephalopathy with brain stem and spinal cord involvement-high lactate syndrome (LBSL). Also called: MITOCHONDRIAL ASPARTYL-tRNA SYNTHETASE DEFICIENCY; LEUKOENCEPHALOPATHY WITH BRAINSTEM AND SPINAL CORD INVOLVEMENT AND LACTATE ELEVATION, MILD; Leukoencephalopathy with Brainstem and Spinal Cord Involvement and Lactate Elevation. Identifiers: Orphanet 137898, MedGen C1970180, MONDO:0012622, OMIM 611105.

Allele frequency attached by ClinVar (database versions not stated): ESP Exome Variant Server 0.00008; TOPMed 0.00009; ExAC 0.00012.
gnomAD v4.1: 183 of 1,355,038 alleles (0.014%); highest among the groups gnomAD compares: Non-Finnish European, 0.018%; 5 homozygotes.

Submissions (6):

GeneDx
Classification: Uncertain significance. Last evaluated: 2026-09-25. Review status: criteria provided, single submitter. Criteria: GeneDx Variant Classification Process June 2021. Collection method: clinical testing. Allele origin: germline.
Comment: Has not been previously published as pathogenic or benign to our knowledge; Not observed at significant frequency in large population cohorts (gnomAD); In silico analysis indicates that this variant does not alter splicing

Labcorp Genetics (formerly Invitae), Labcorp
Classification: Likely benign. Last evaluated: 2025-12-20. Review status: criteria provided, single submitter. Criteria: Invitae Variant Classification Sherloc (09022015). Collection method: clinical testing. Allele origin: germline.

Blueprint Genetics
Classification: Uncertain significance. Last evaluated: 2024-10-15. Review status: criteria provided, single submitter. Criteria: ACMG Guidelines, 2015. Collection method: clinical testing. Allele origin: germline.

Illumina Laboratory Services, Illumina
Classification: Uncertain significance for Leukoencephalopathy with brain stem and spinal cord involvement-high lactate syndrome. Last evaluated: 2017-04-27. Review status: criteria provided, single submitter. Criteria: ICSL Variant Classification Criteria 13 December 2019. Collection method: clinical testing. Allele origin: germline.

Dr. Peter K. Rogan Lab, Western University
No classification provided (evidence only). Condition: Familial cancer of breast. Review status: no classification provided. Collection method: in vitro. Allele origin: not applicable. Functional consequence: retained intron. Not counted in ClinVar's aggregate classification.

Dr. Peter K. Rogan Lab, Western University
No classification provided (evidence only). Condition: Uterine corpus endometrial carcinoma. Review status: no classification provided. Collection method: in vitro. Allele origin: not applicable. Functional consequence: retained intron. Not counted in ClinVar's aggregate classification.

NM_018122.5(DARS2):c.228-10C>G

Gene: DARS2 (aspartyl-tRNA synthetase 2, mitochondrial; plus strand). Cytogenetic location: 1q25.1.
Variant type: single nucleotide variant.
Coding change: c.228-10C>G on transcript NM_018122.5 (MANE Select); 10 bases into the intron before coding-DNA position 228, C replaced by G.
Molecular consequence: intron variant.
Genome position (GRCh38, 1-based): chr1:173,828,323, C>G. VCF-style: chr1-173828323-C-G. GRCh37 (hg19) VCF-style: chr1-173797461-C-G.
Other names: c.228-10C>G (NM_001365212.1, NM_001365213.2).
Identifiers: ClinVar variation 875498 (VCV000875498.15), dbSNP rs201817953, ClinGen allele CA1250075.